The following is an entry in ClinVar:

NM_006947.4(SRP72):c.83C>A (p.Thr28Lys)

Gene: SRP72 (signal recognition particle 72; plus strand). Cytogenetic location: 4q12.
Variant type: single nucleotide variant.
Coding change: c.83C>A on transcript NM_006947.4 (MANE Select); coding-DNA position 83, C replaced by A.
Protein change: p.Thr28Lys; replaces threonine 28 with lysine.
Molecular consequence: missense variant. On other transcripts: non-coding transcript variant (1).
Genome position (GRCh38, 1-based): chr4:56,467,718, C>A. VCF-style: chr4-56467718-C-A. GRCh37 (hg19) VCF-style: chr4-57333884-C-A.
Other names: c.83C>A, p.Thr28Lys (NM_001267722.2); c.83C>A (NM_006947.3); short protein forms T28K.
Identifiers: ClinVar variation 2717867 (VCV002717867.5), dbSNP rs760001519, ClinGen allele CA356995664.

ClinVar aggregate classification (germline): Uncertain significance. Review status: criteria provided, multiple submitters, no conflicts (2 of 4 stars). 3 submissions from 3 submitters: Uncertain significance (3). Last evaluated 2026-04-12.

Conditions:
SRP72-related disorder. Also called: SRP72-related condition.

Allele frequency attached by ClinVar (database versions not stated): gnomAD 0.00001.

Submissions (3):

PreventionGenetics, part of Exact Sciences
Classification: Uncertain significance for SRP72-related condition. Last evaluated: 2026-04-12. Review status: criteria provided, single submitter. Criteria: ACMG Guidelines, 2015. Collection method: clinical testing. Allele origin: germline.
Comment: The SRP72 c.83C>A variant is predicted to result in the amino acid substitution p.Thr28Lys. To our knowledge, this variant has not been reported in the literature or in a large population database (gnomAD), indicating this variant is rare. At this time, the clinical significance of this variant is uncertain due to the absence of conclusive functional and genetic evidence.

Ambry Genetics
Classification: Uncertain significance. Last evaluated: 2025-08-20. Review status: criteria provided, single submitter. Criteria: Ambry Variant Classification Scheme 2023. Collection method: clinical testing. Allele origin: germline.
Comment: The p.T28K variant (also known as c.83C>A), located in coding exon 1 of the SRP72 gene, results from a C to A substitution at nucleotide position 83. The threonine at codon 28 is replaced by lysine, an amino acid with similar properties. This amino acid position is conserved. In addition, this alteration is predicted to be tolerated by in silico analysis. Based on the available evidence, the clinical significance of this variant remains unclear.

Labcorp Genetics (formerly Invitae), Labcorp
Classification: Uncertain significance. Last evaluated: 2023-06-16. Review status: criteria provided, single submitter. Criteria: Invitae Variant Classification Sherloc (09022015). Collection method: clinical testing. Allele origin: germline.
Comment: In summary, the available evidence is currently insufficient to determine the role of this variant in disease. Therefore, it has been classified as a Variant of Uncertain Significance. Advanced modeling of protein sequence and biophysical properties (such as structural, functional, and spatial information, amino acid conservation, physicochemical variation, residue mobility, and thermodynamic stability) performed at Invitae indicates that this missense variant is not expected to disrupt SRP72 protein function. This variant has not been reported in the literature in individuals affected with SRP72-related conditions. This variant is not present in population databases (gnomAD no frequency). This sequence change replaces threonine, which is neutral and polar, with lysine, which is basic and polar, at codon 28 of the SRP72 protein (p.Thr28Lys).